The following is an entry in ClinVar:

NM_004655.4(AXIN2):c.1564C>G (p.His522Asp)

Gene: AXIN2 (axin 2; minus strand). Cytogenetic location: 17q24.1.
Variant type: single nucleotide variant.
Coding change: c.1564C>G on transcript NM_004655.4 (MANE Select); coding-DNA position 1564, C replaced by G.
Protein change: p.His522Asp; replaces histidine 522 with aspartic acid.
Molecular consequence: missense variant.
Genome position (GRCh38, 1-based): chr17:65,537,472, G>C on the plus strand (C>G on the coding strand, the complement: AXIN2 is on the minus strand). VCF-style: chr17-65537472-G-C. GRCh37 (hg19) VCF-style: chr17-63533590-G-C.
Other names: c.1564C>G (LRG_296t1); c.1564C>G, p.His522Asp (NM_001363813.1); short protein forms H522D.
Identifiers: ClinVar variation 408765 (VCV000408765.16), dbSNP rs1060502128, ClinGen allele CA16615871.

ClinVar aggregate classification (germline): Uncertain significance. Review status: criteria provided, multiple submitters, no conflicts (2 of 4 stars). 4 submissions from 4 submitters: Uncertain significance (4). Last evaluated 2025-12-21.

Conditions:
Colorectal cancer. Also called: Colorectal cancer, somatic; Malignant Colorectal Neoplasm. Identifiers: MedGen C0346629, MONDO:0005575, OMIM 114500.
Hereditary cancer-predisposing syndrome. Also called: Hereditary Cancer Syndrome; Hereditary neoplastic syndrome; Neoplastic Syndromes, Hereditary; Tumor predisposition. Identifiers: Orphanet 140162, MedGen C0027672, MeSH D009386, MONDO:0015356.
Oligodontia-cancer predisposition syndrome. Also called: TOOTH AGENESIS-COLORECTAL CANCER SYNDROME. Identifiers: Orphanet 300576, MedGen C1837750, MONDO:0012075, OMIM 608615. Disease mechanism: loss of function.

Allele frequency attached by ClinVar (database versions not stated): gnomAD exomes 0.00001; TOPMed 0.00001.
gnomAD v4.1: 10 of 1,613,934 alleles (0.00062%); highest among the groups gnomAD compares: Admixed American, 0.0017%; no homozygotes.

Submissions (4):

Labcorp Genetics (formerly Invitae), Labcorp
Classification: Uncertain significance for Oligodontia-cancer predisposition syndrome. Last evaluated: 2025-12-21. Review status: criteria provided, single submitter. Criteria: Invitae Variant Classification Sherloc (09022015). Collection method: clinical testing. Allele origin: germline.
Comment: This sequence change replaces histidine, which is basic and polar, with aspartic acid, which is acidic and polar, at codon 522 of the AXIN2 protein (p.His522Asp). This variant is not present in population databases (gnomAD no frequency). This variant has not been reported in the literature in individuals affected with AXIN2-related conditions. ClinVar contains an entry for this variant (Variation ID: 408765). Invitae Evidence Modeling of protein sequence and biophysical properties (such as structural, functional, and spatial information, amino acid conservation, physicochemical variation, residue mobility, and thermodynamic stability) indicates that this missense variant is expected to disrupt AXIN2 protein function with a positive predictive value of 80%. In summary, the available evidence is currently insufficient to determine the role of this variant in disease. Therefore, it has been classified as a Variant of Uncertain Significance.

Baylor Genetics
Classification: Uncertain significance for Colorectal cancer. Last evaluated: 2024-02-27. Review status: criteria provided, single submitter. Criteria: ACMG Guidelines, 2015. Collection method: clinical testing. Allele origin: unknown.

Ambry Genetics
Classification: Uncertain significance for Hereditary cancer-predisposing syndrome. Last evaluated: 2023-10-30. Review status: criteria provided, single submitter. Criteria: Ambry Variant Classification Scheme 2023. Collection method: clinical testing. Allele origin: germline.
Comment: The p.H522D variant (also known as c.1564C>G), located in coding exon 5 of the AXIN2 gene, results from a C to G substitution at nucleotide position 1564. The histidine at codon 522 is replaced by aspartic acid, an amino acid with similar properties. This amino acid position is highly conserved in available vertebrate species. In addition, the in silico prediction for this alteration is inconclusive. Since supporting evidence is limited at this time, the clinical significance of this alteration remains unclear.

GeneDx
Classification: Uncertain significance. Last evaluated: 2020-11-17. Review status: criteria provided, single submitter. Criteria: GeneDx Variant Classification Process June 2021. Collection method: clinical testing. Allele origin: germline. Affected: yes.
Comment: Not observed in large population cohorts (Lek 2016); In silico analysis supports that this missense variant has a deleterious effect on protein structure/function; Has not been previously published as pathogenic or benign to our knowledge